The following is an entry in ClinVar:

NM_001164508.2(NEB):c.1871T>A (p.Leu624Ter)

Gene: NEB (nebulin; minus strand). Cytogenetic location: 2q23.3.
Variant type: single nucleotide variant.
Coding change: c.1871T>A on transcript NM_001164508.2 (MANE Select); coding-DNA position 1871, T replaced by A.
Protein change: p.Leu624Ter; replaces leucine 624 with a stop codon.
Molecular consequence: nonsense.
Genome position (GRCh38, 1-based): chr2:151,694,348, A>T on the plus strand (T>A on the coding strand, the complement: NEB is on the minus strand). VCF-style: chr2-151694348-A-T. GRCh37 (hg19) VCF-style: chr2-152550862-A-T.
Other names: c.1871T>A, p.Leu624Ter (NM_001164507.2, NM_001271208.2, NM_004543.5); short protein forms L624*.
Identifiers: ClinVar variation 2677065 (VCV002677065.3), dbSNP rs2552268543, ClinGen allele CA348824340.
Genomic context (GRCh38, chr2:151,694,348, plus strand): 5'-GTCTGAAAATAGGGGTGAATTACAAAGAAACTCACATCACTCTGGTTTTTGGCCACCTTC[A>T]AGGAGTGCAGCATCTTGGGATCGTCATTAATGCTGAGGACTCCAATCATTTTCCCTTTGT-3'

ClinVar aggregate classification (germline): Pathogenic/Likely pathogenic. Review status: criteria provided, multiple submitters, no conflicts (2 of 4 stars). 3 submissions from 3 submitters: Pathogenic (1); Likely pathogenic (2). Last evaluated 2025-05-23.

Conditions:
Arthrogryposis multiplex congenita 6. Identifiers: MedGen C5543431, MONDO:0030281, OMIM 619334.
Nemaline myopathy 2 (NEM2). Also called: Nemaline myopathy 2, autosomal recessive. Identifiers: MedGen C1850569, MONDO:0009725, OMIM 256030.
Nemaline myopathy. Also called: Myopathies, Nemaline. Identifiers: Orphanet 607, MedGen C0206157, MONDO:0018958.

Allele frequency attached by ClinVar (database versions not stated): gnomAD exomes below 0.00001.
gnomAD v4.1: 1 of 1,614,028 alleles (0.000062%); highest among the groups gnomAD compares: Non-Finnish European, 0.000085%; no homozygotes.

Submissions (3):

Women's Health and Genetics/Laboratory Corporation of America, LabCorp
Classification: Pathogenic for Nemaline myopathy. Last evaluated: 2025-05-23. Review status: criteria provided, single submitter. Criteria: LabCorp Variant Classification Summary - May 2015. Collection method: clinical testing. Allele origin: germline.
Comment: Variant summary: NEB c.1871T>A (p.Leu624X) results in a premature termination codon, predicted to cause a truncation of the encoded protein or absence of the protein due to nonsense mediated decay, which are commonly known mechanisms for disease. The variant was absent in 249210 control chromosomes. To our knowledge, no occurrence of c.1871T>A in individuals affected with Nemaline Myopathy 2 and no experimental evidence demonstrating its impact on protein function have been reported. ClinVar contains an entry for this variant (Variation ID: 2677065). Based on the evidence outlined above, the variant was classified as pathogenic.

Fulgent Genetics
Classification: Likely pathogenic for Nemaline myopathy 2; Arthrogryposis multiplex congenita 6. Last evaluated: 2024-06-18. Review status: criteria provided, single submitter. Criteria: ACMG Guidelines, 2015. Collection method: clinical testing. Allele origin: germline.

Baylor Genetics
Classification: Likely pathogenic for Arthrogryposis multiplex congenita 6. Last evaluated: 2023-08-02. Review status: criteria provided, single submitter. Criteria: ACMG Guidelines, 2015. Collection method: clinical testing. Allele origin: unknown.